The following is an entry in ClinVar:

NM_025099.6(CTC1):c.1984G>C (p.Glu662Gln)

Gene: CTC1 (CST telomere replication complex component 1; minus strand). Cytogenetic location: 17p13.1.
Variant type: single nucleotide variant.
Coding change: c.1984G>C on transcript NM_025099.6 (MANE Select); coding-DNA position 1984, G replaced by C.
Protein change: p.Glu662Gln; replaces glutamic acid 662 with glutamine.
Molecular consequence: missense variant. On other transcripts: non-coding transcript variant (1).
Genome position (GRCh38, 1-based): chr17:8,232,437, C>G on the plus strand (G>C on the coding strand, the complement: CTC1 is on the minus strand). VCF-style: chr17-8232437-C-G. GRCh37 (hg19) VCF-style: chr17-8135755-C-G.
Other names: short protein forms E662Q.
Identifiers: ClinVar variation 1501766 (VCV001501766.8), dbSNP rs1341299177, ClinGen allele CA397979892.

ClinVar aggregate classification (germline): Uncertain significance (1 of 4 stars; one submission).

Conditions:
Dyskeratosis congenita. Identifiers: Orphanet 1775, MedGen C0265965, MONDO:0015780.

Submission:

Labcorp Genetics (formerly Invitae), Labcorp
Classification: Uncertain significance for Dyskeratosis congenita. Last evaluated: 2020-11-20. Review status: criteria provided, single submitter. Criteria: Invitae Variant Classification Sherloc (09022015). Collection method: clinical testing. Allele origin: germline.
Comment: In summary, the available evidence is currently insufficient to determine the role of this variant in disease. Therefore, it has been classified as a Variant of Uncertain Significance. Algorithms developed to predict the effect of missense changes on protein structure and function are either unavailable or do not agree on the potential impact of this missense change (SIFT: "Deleterious"; PolyPhen-2: "Probably Damaging"; Align-GVGD: "Class C0"). This variant has not been reported in the literature in individuals with CTC1-related conditions. This variant is not present in population databases (ExAC no frequency). This sequence change replaces glutamic acid with glutamine at codon 662 of the CTC1 protein (p.Glu662Gln). The glutamic acid residue is highly conserved and there is a small physicochemical difference between glutamic acid and glutamine.